The following is an entry in ClinVar:

ClinVar aggregate classification (germline): Uncertain significance (1 of 4 stars; one submission).

gnomAD v4.1: 3 of 1,614,154 alleles (0.00019%); highest among the groups gnomAD compares: Non-Finnish European, 0.00017%; no homozygotes.

Submission:

CeGaT Center for Human Genetics Tuebingen
Classification: Uncertain significance. Last evaluated: 2024-11-01. Review status: criteria provided, single submitter. Criteria: CeGaT Center For Human Genetics Tuebingen Variant Classification Criteria Version 2. Collection method: clinical testing. Allele origin: germline. Affected: yes. Observed: 1 variant allele.
Comment: KCNQ5: PM2:Supporting

NM_019842.4(KCNQ5):c.1948G>A (p.Glu650Lys)

Gene: KCNQ5 (potassium voltage-gated channel subfamily Q member 5; plus strand). Cytogenetic location: 6q13.
Variant type: single nucleotide variant.
Coding change: c.1948G>A on transcript NM_019842.4 (MANE Select); coding-DNA position 1948, G replaced by A.
Protein change: p.Glu650Lys; replaces glutamic acid 650 with lysine.
Molecular consequence: missense variant.
Genome position (GRCh38, 1-based): chr6:73,194,563, G>A. VCF-style: chr6-73194563-G-A. GRCh37 (hg19) VCF-style: chr6-73904286-G-A.
Other names: c.1921G>A, p.Glu641Lys (NM_001160130.2); c.1978G>A, p.Glu660Lys (NM_001160132.2); c.2005G>A, p.Glu669Lys (NM_001160133.2); c.1618G>A, p.Glu540Lys (NM_001160134.2); short protein forms E540K, E641K, E650K, E660K, E669K.
Identifiers: ClinVar variation 3390199 (VCV003390199.14).